The following is an entry in ClinVar:

ClinVar aggregate classification (germline): Conflicting classifications of pathogenicity. Review status: criteria provided, conflicting classifications (1 of 4 stars). 3 submissions from 3 submitters: Uncertain significance (1); Likely benign (2). Last evaluated 2026-08-01.

Conditions:
Mendelian susceptibility to mycobacterial diseases due to complete IL12RB1 deficiency. Also called: Immunodeficiency 30; IL12RB1 DEFICIENCY. Identifiers: Orphanet 319552, MedGen C4013949, MONDO:0013955, OMIM 614891.

Allele frequency attached by ClinVar (database versions not stated): ExAC 0.00002; gnomAD exomes 0.00002; gnomAD 0.00005 and 0.00006; TOPMed 0.00005.
gnomAD v4.1: 37 of 1,612,180 alleles (0.0023%); highest among the groups gnomAD compares: Non-Finnish European, 0.003%; no homozygotes.

Submissions (3):

CeGaT Center for Human Genetics Tuebingen
Classification: Likely benign. Last evaluated: 2026-08-01. Review status: criteria provided, single submitter. Criteria: CeGaT Center For Human Genetics Tuebingen Variant Classification Criteria Version 2. Collection method: clinical testing. Allele origin: germline. Affected: yes. Observed: 1 variant allele.
Comment: IL12RB1: BP4, BP7

Blueprint Genetics
Classification: Likely benign. Last evaluated: 2024-04-08. Review status: criteria provided, single submitter. Criteria: ACMG Guidelines, 2015. Collection method: clinical testing. Allele origin: germline.

Labcorp Genetics (formerly Invitae), Labcorp
Classification: Uncertain significance for Mendelian susceptibility to mycobacterial diseases due to complete IL12RB1 deficiency. Last evaluated: 2022-08-23. Review status: criteria provided, single submitter. Criteria: Invitae Variant Classification Sherloc (09022015). Collection method: clinical testing. Allele origin: germline.
Comment: This sequence change affects codon 233 of the IL12RB1 mRNA. It is a 'silent' change, meaning that it does not change the encoded amino acid sequence of the IL12RB1 protein. It affects a nucleotide within the consensus splice site. This variant is present in population databases (rs762184085, gnomAD 0.004%). This variant has not been reported in the literature in individuals affected with IL12RB1-related conditions. ClinVar contains an entry for this variant (Variation ID: 1447472). Algorithms developed to predict the effect of sequence changes on RNA splicing suggest that this variant is not likely to affect RNA splicing. In summary, the available evidence is currently insufficient to determine the role of this variant in disease. Therefore, it has been classified as a Variant of Uncertain Significance.

NM_005535.3(IL12RB1):c.699T>C (p.Pro233=)

Gene: IL12RB1 (interleukin 12 receptor subunit beta 1; minus strand). Cytogenetic location: 19p13.11.
Variant type: single nucleotide variant.
Coding change: c.699T>C on transcript NM_005535.3 (MANE Select); coding-DNA position 699, T replaced by C.
Protein change: p.Pro233=; no amino-acid change (proline 233 retained).
Molecular consequence: synonymous variant.
Genome position (GRCh38, 1-based): chr19:18,075,750, A>G on the plus strand (T>C on the coding strand, the complement: IL12RB1 is on the minus strand). VCF-style: chr19-18075750-A-G. GRCh37 (hg19) VCF-style: chr19-18186560-A-G.
Other names: c.699T>C, p.Pro233= (NM_001290023.2, NM_153701.3); c.819T>C, p.Pro273= (NM_001290024.2).
Identifiers: ClinVar variation 1447472 (VCV001447472.7), dbSNP rs762184085, ClinGen allele CA9305114.
Genomic context (GRCh38, chr19:18,075,750, plus strand): 5'-TCCGGCTGTTGCCTTATTTCTAATGCTTGCCCCTGTTCCTGTACTCAGAGTGATCTTACC[A>G]GGGGGAACGCACACGGGGCTGCTCCACTTGCTCCAGGAACTTCCTTGGCTCCCCAGCTGC-3'
Protein context (NP_005526.1, residues 223-243): SKWSSPVCVP[Pro233=]ENPPQPQVRF